The following is an entry in ClinVar:

ClinVar aggregate classification (germline): Likely pathogenic (1 of 4 stars; one submission).

Conditions:
Primary ciliary dyskinesia 3. Identifiers: Orphanet 244, MedGen C1837618, MONDO:0012085, OMIM 608644.

Submission:

Myriad Genetics, Inc.
Classification: Likely pathogenic for Primary ciliary dyskinesia 3. Last evaluated: 2022-04-06. Review status: criteria provided, single submitter. Criteria: Myriad Women's Health Autosomal Recessive and X-Linked Classification Criteria (2021). Collection method: clinical testing. Allele origin: unknown.
Comment: NM_001369.2(DNAH5):c.13040delG(G4347Efs*30) is expected to be pathogenic in the context of DNAH5-related primary ciliary dyskinesia. This variant is predicted to lead to an abnormal or absent protein product due to the creation of a premature termination codon in DNAH5, a gene where loss-of-function variants are known to be pathogenic. Please note: this variant was assessed in the context of healthy population screening.

NM_001369.3(DNAH5):c.13040del (p.Gly4347fs)

Gene: DNAH5 (dynein axonemal heavy chain 5; minus strand). Cytogenetic location: 5p15.2.
Variant type: Deletion.
Coding change: c.13040del on transcript NM_001369.3 (MANE Select); coding-DNA position 13040, one base deleted (G; older notation c.13040delG).
Protein change: p.Gly4347fs; shifts the reading frame from glycine 4347.
Molecular consequence: frameshift variant.
Genome position (GRCh38, 1-based): chr5:13,714,490, C deleted on the plus strand (G on the coding strand, the reverse complement: DNAH5 is on the minus strand); the first of 2 consecutive C bases (chr5:13,714,490-13,714,491); deleting either gives the same sequence. VCF-style (leftmost placement, unchanged base first): chr5-13714489-TC-T. GRCh37 (hg19) VCF-style: chr5-13714598-TC-T.
Other names: short protein forms G4347fs.
Identifiers: ClinVar variation 1725894 (VCV001725894.2), dbSNP rs2546503640, ClinGen allele CA2580072011.